The following is an entry in ClinVar:

NM_000051.4(ATM):c.8584G>A (p.Val2862Ile)

Genes: ATM (ATM serine/threonine kinase; plus strand), C11orf65 (chromosome 11 open reading frame 65; minus strand). Cytogenetic location: 11q22.3.
Variant type: single nucleotide variant.
Coding change: c.8584G>A on transcript NM_000051.4 (MANE Select); coding-DNA position 8584, G replaced by A.
Protein change: p.Val2862Ile; replaces valine 2862 with isoleucine.
Molecular consequence: missense variant. On other transcripts: intron variant (2).
Genome position (GRCh38, 1-based): chr11:108,345,908, G>A. VCF-style: chr11-108345908-G-A. GRCh37 (hg19) VCF-style: chr11-108216635-G-A.
Other names: c.8584G>A, p.Val2862Ile (NM_001351834.2); c.641-36837C>T (NM_001330368.2); c.695-10616C>T (NM_001351110.2); short protein forms V2862I.
Identifiers: ClinVar variation 2806000 (VCV002806000.3), dbSNP rs1591265875, ClinGen allele CA382518809.

ClinVar aggregate classification (germline): Uncertain significance. Review status: criteria provided, multiple submitters, no conflicts (2 of 4 stars). 2 submissions from 2 submitters: Uncertain significance (2). Last evaluated 2025-12-29.

Conditions:
Ataxia-telangiectasia syndrome (AT). Also called: LOUIS-BAR SYNDROME; Cerebello-oculocutaneous telangiectasia; Immunodeficiency with ataxia telangiectasia; Ataxia telangiectasia (A-T); Ataxia-telangiectasia, complementation group D; AT, COMPLEMENTATION GROUP C. Identifiers: Orphanet 100, MedGen C0004135, MONDO:0008840, OMIM 208900.

Submissions (2):

Center for Genomic Medicine, Rigshospitalet, Copenhagen University Hospital
Classification: Uncertain significance. Last evaluated: 2025-12-29. Review status: criteria provided, single submitter. Criteria: ACMG Guidelines, 2015. Collection method: clinical testing. Allele origin: germline.
Comment: Classification criteria: PVS1_strong, PM2_supporting

Labcorp Genetics (formerly Invitae), Labcorp
Classification: Uncertain significance for Ataxia-telangiectasia syndrome. Last evaluated: 2024-09-01. Review status: criteria provided, single submitter. Criteria: Invitae Variant Classification Sherloc (09022015). Collection method: clinical testing. Allele origin: germline.
Comment: This sequence change replaces valine, which is neutral and non-polar, with isoleucine, which is neutral and non-polar, at codon 2862 of the ATM protein (p.Val2862Ile). This variant also falls at the last nucleotide of exon 58, which is part of the consensus splice site for this exon. This variant is not present in population databases (gnomAD no frequency). This variant has not been reported in the literature in individuals affected with ATM-related conditions. An algorithm developed to predict the effect of missense changes on protein structure and function (PolyPhen-2) suggests that this variant is likely to be disruptive. Variants that disrupt the consensus splice site are a relatively common cause of aberrant splicing (PMID: 17576681, 9536098). Algorithms developed to predict the effect of sequence changes on RNA splicing suggest that this variant may disrupt the consensus splice site. In summary, the available evidence is currently insufficient to determine the role of this variant in disease. Therefore, it has been classified as a Variant of Uncertain Significance.

Literature cited by the submitters: PubMed 40580951 (cited by Center for Genomic Medicine, Rigshospitalet, Copenhagen University Hospital); PubMed 17576681 (cited by Labcorp Genetics (formerly Invitae), Labcorp); PubMed 9536098 (cited by Labcorp Genetics (formerly Invitae), Labcorp).